The following is an entry in ClinVar:

NM_016284.5(CNOT1):c.1029C>T (p.Asp343=)

Gene: CNOT1 (CCR4-NOT transcription complex subunit 1; minus strand). Cytogenetic location: 16q21.
Variant type: single nucleotide variant.
Coding change: c.1029C>T on transcript NM_016284.5 (MANE Select); coding-DNA position 1029, C replaced by T.
Protein change: p.Asp343=; no amino-acid change (aspartic acid 343 retained).
Molecular consequence: synonymous variant. On other transcripts: non-coding transcript variant (1).
Genome position (GRCh38, 1-based): chr16:58,582,808, G>A on the plus strand (C>T on the coding strand, the complement: CNOT1 is on the minus strand). VCF-style: chr16-58582808-G-A. GRCh37 (hg19) VCF-style: chr16-58616712-G-A.
Other names: c.1029C>T (NM_016284.4); c.1029C>T, p.Asp343= (NM_001265612.2, NM_206999.3).
Identifiers: ClinVar variation 711651 (VCV000711651.11), dbSNP rs34485819, ClinGen allele CA8090000.
Genomic context (GRCh38, chr16:58,582,808, plus strand): 5'-TCATTCAAATACCACAAATCAAAAATCATCATCACATATACTCACCAGTTCTTTAAGAAC[G>A]TCAATCAAGACTTCTACATTCCATGTGTGTGCCTGTGCTCCATCACTTTTATCTTTCCCA-3'
Protein context (NP_057368.3, residues 333-353): AHTWNVEVLI[Asp343=]VLKELNPSLN

ClinVar aggregate classification (germline): Benign. Review status: criteria provided, multiple submitters, no conflicts (2 of 4 stars). 3 submissions from 3 submitters: Benign (2). 1 of the submissions does not count toward it. Last evaluated 2026-01-17.

Conditions:
CNOT1-related disorder. Also called: CNOT1-related condition.

Allele frequency attached by ClinVar (database versions not stated): gnomAD exomes 0.00109 and 0.00285; ExAC 0.00364; ESP Exome Variant Server 0.01131; gnomAD 0.01139 and 0.01226; TOPMed 0.01229; 1000 Genomes Project 0.01298; 1000 Genomes Project 30x 0.01374.
gnomAD v4.1: 3,196 of 1,467,700 alleles (0.22%); highest among the groups gnomAD compares: African/African-American, 4%; 66 homozygotes.

Submissions (3):

Labcorp Genetics (formerly Invitae), Labcorp
Classification: Benign. Last evaluated: 2026-01-17. Review status: criteria provided, single submitter. Criteria: Invitae Variant Classification Sherloc (09022015). Collection method: clinical testing. Allele origin: germline.

Breakthrough Genomics
Classification: Benign. Review status: criteria provided, single submitter. Criteria: ACMG Guidelines, 2015. Collection method: not provided. Allele origin: germline. Inheritance: Autosomal dominant inheritance. Affected: yes.

PreventionGenetics, part of Exact Sciences
Classification: Benign for CNOT1-related condition. Last evaluated: 2019-03-25. Review status: no assertion criteria provided. Collection method: clinical testing. Allele origin: germline. Not counted in ClinVar's aggregate classification.
Comment: This variant is classified as benign based on ACMG/AMP sequence variant interpretation guidelines (Richards et al. 2015 PMID: 25741868, with internal and published modifications).